The following is an entry in ClinVar:

ClinVar aggregate classification (germline): Uncertain significance. Review status: criteria provided, multiple submitters, no conflicts (2 of 4 stars). 2 submissions from 2 submitters: Uncertain significance (2). Last evaluated 2024-04-08.

Conditions:
Developmental and epileptic encephalopathy, 12 (DEE12). Identifiers: MedGen C3150988, MONDO:0013389, OMIM 613722.

Allele frequency attached by ClinVar (database versions not stated): ExAC 0.00002.
gnomAD v4.1: 18 of 1,613,980 alleles (0.0011%); highest among the groups gnomAD compares: South Asian, 0.02%; no homozygotes.

Submissions (2):

Blueprint Genetics
Classification: Uncertain significance. Last evaluated: 2024-04-08. Review status: criteria provided, single submitter. Criteria: ACMG Guidelines, 2015. Collection method: clinical testing. Allele origin: germline.

Labcorp Genetics (formerly Invitae), Labcorp
Classification: Uncertain significance for Developmental and epileptic encephalopathy, 12. Last evaluated: 2019-08-20. Review status: criteria provided, single submitter. Criteria: Invitae Variant Classification Sherloc (09022015). Collection method: clinical testing. Allele origin: germline.
Comment: In summary, the available evidence is currently insufficient to determine the role of this variant in disease. Therefore, it has been classified as a Variant of Uncertain Significance. Algorithms developed to predict the effect of missense changes on protein structure and function are either unavailable or do not agree on the potential impact of this missense change (SIFT: "Deleterious"; PolyPhen-2: "Possibly Damaging"; Align-GVGD: "Class C0"). This variant has not been reported in the literature in individuals with PNKP-related conditions. This variant is present in population databases (rs746254179, ExAC 0.02%). This sequence change replaces glycine with arginine at codon 276 of the PNKP protein (p.Gly276Arg). The glycine residue is highly conserved and there is a moderate physicochemical difference between glycine and arginine.

NM_007254.4(PNKP):c.826G>C (p.Gly276Arg)

Gene: PNKP (polynucleotide kinase 3'-phosphatase; minus strand). Cytogenetic location: 19q13.33.
Variant type: single nucleotide variant.
Coding change: c.826G>C on transcript NM_007254.4 (MANE Select); coding-DNA position 826, G replaced by C.
Protein change: p.Gly276Arg; replaces glycine 276 with arginine.
Molecular consequence: missense variant.
Genome position (GRCh38, 1-based): chr19:49,862,729, C>G on the plus strand (G>C on the coding strand, the complement: PNKP is on the minus strand). VCF-style: chr19-49862729-C-G. GRCh37 (hg19) VCF-style: chr19-50365986-C-G.
Other names: short protein forms G276R.
Identifiers: ClinVar variation 949450 (VCV000949450.10), dbSNP rs746254179, ClinGen allele CA9586762.